The following is an entry in ClinVar:

NM_000156.6(GAMT):c.570+60A>G

Gene: GAMT (guanidinoacetate N-methyltransferase; minus strand). Cytogenetic location: 19p13.3.
Variant type: single nucleotide variant.
Coding change: c.570+60A>G on transcript NM_000156.6 (MANE Select); 60 bases into the intron after coding-DNA position 570, A replaced by G.
Molecular consequence: intron variant. On other transcripts: synonymous variant (1).
Genome position (GRCh38, 1-based): chr19:1,398,856, T>C on the plus strand (A>G on the coding strand, the complement: GAMT is on the minus strand). VCF-style: chr19-1398856-T-C. GRCh37 (hg19) VCF-style: chr19-1398855-T-C.
Other names: c.630A>G, p.Glu210= (NM_138924.3).
Identifiers: ClinVar variation 506758 (VCV000506758.2), dbSNP rs748982285, ClinGen allele CA9043595.

ClinVar aggregate classification (germline): Likely benign. Review status: criteria provided, multiple submitters, no conflicts (2 of 4 stars). 2 submissions from 2 submitters: Likely benign (2). Last evaluated 2023-06-05.

Allele frequency attached by ClinVar (database versions not stated): TOPMed below 0.00001; gnomAD 0.00001; gnomAD exomes 0.00004 and 0.00012; ExAC 0.00021.
gnomAD v4.1: 62 of 1,601,448 alleles (0.0039%); highest among the groups gnomAD compares: South Asian, 0.068%; 3 homozygotes.

Submissions (2):

Blueprint Genetics
Classification: Likely benign. Last evaluated: 2023-06-05. Review status: criteria provided, single submitter. Criteria: ACMG Guidelines, 2015. Collection method: clinical testing. Allele origin: germline.

GeneDx
Classification: Likely benign. Last evaluated: 2017-07-27. Review status: criteria provided, single submitter. Criteria: GeneDx Variant Classification (06012015). Collection method: clinical testing. Allele origin: germline. Affected: yes.
Comment: This variant is considered likely benign or benign based on one or more of the following criteria: it is a conservative change, it occurs at a poorly conserved position in the protein, it is predicted to be benign by multiple in silico algorithms, and/or has population frequency not consistent with disease.